The following is an entry in ClinVar:

NM_004208.4(AIFM1):c.-123G>T

Genes: AIFM1 (apoptosis inducing factor mitochondria associated 1; minus strand), RAB33A (RAB33A, member RAS oncogene family; plus strand), LOC130068679 (ATAC-STARR-seq lymphoblastoid active region 29939; plus strand). Cytogenetic location: Xq26.1.
Variant type: single nucleotide variant.
Coding change: c.-123G>T on transcript NM_004208.4 (MANE Select); 123 bases upstream of the start codon, G replaced by T.
Molecular consequence: 5 prime UTR variant. On other transcripts: non-coding transcript variant (1).
Genome position (GRCh38, 1-based): chrX:130,165,779, C>A on the plus strand (G>T on the coding strand, the complement: AIFM1 is on the minus strand). VCF-style: chrX-130165779-C-A. GRCh37 (hg19) VCF-style: chrX-129299753-C-A.
Other names: c.-123G>T (NM_001130847.4, NM_145812.3).
Identifiers: ClinVar variation 4978044 (VCV004978044.1).

ClinVar aggregate classification (germline): Likely benign (1 of 4 stars; one submission).

Conditions:
AIFM1-related disorder. Also called: AIFM1-related condition.

gnomAD v4.1: 15 of 605,105 alleles (0.0025%); highest among the groups gnomAD compares: Non-Finnish European, 0.0036%; no homozygotes.

Submission:

PreventionGenetics, part of Exact Sciences
Classification: Likely benign for AIFM1-related condition. Last evaluated: 2025-07-16. Review status: criteria provided, single submitter. Criteria: ACMG Guidelines, 2015. Collection method: clinical testing. Allele origin: germline.
Comment: This variant is classified as likely benign based on ACMG/AMP sequence variant interpretation guidelines (Richards et al. 2015 PMID: 25741868, with internal and published modifications).